The following is an entry in ClinVar:

ClinVar aggregate classification (germline): Pathogenic/Likely pathogenic. Review status: criteria provided, multiple submitters, no conflicts (2 of 4 stars). 2 submissions from 2 submitters: Pathogenic (1); Likely pathogenic (1). Last evaluated 2025-05-18.

Conditions:
MFN2-related disorder. Also called: MFN2-related condition; MFN2-related disorders.
Charcot-Marie-Tooth disease type 2. Also called: Charcot-Marie-Tooth type 2. Identifiers: Orphanet 64746, MedGen C0270914, MONDO:0018993.

Submissions (2):

Labcorp Genetics (formerly Invitae), Labcorp
Classification: Pathogenic for Charcot-Marie-Tooth disease type 2. Last evaluated: 2025-05-18. Review status: criteria provided, single submitter. Criteria: Invitae Variant Classification Sherloc (09022015). Collection method: clinical testing. Allele origin: germline.
Comment: This sequence change replaces glutamine, which is neutral and polar, with proline, which is neutral and non-polar, at codon 367 of the MFN2 protein (p.Gln367Pro). This variant is not present in population databases (gnomAD no frequency). This missense change has been observed in individual(s) with autosomal dominant Charcot-Marie-Tooth disease (PMID: 26801520). In at least one individual the variant was observed to be de novo. ClinVar contains an entry for this variant (Variation ID: 2202705). Invitae Evidence Modeling of protein sequence and biophysical properties (such as structural, functional, and spatial information, amino acid conservation, physicochemical variation, residue mobility, and thermodynamic stability) indicates that this missense variant is expected to disrupt MFN2 protein function with a positive predictive value of 95%. For these reasons, this variant has been classified as Pathogenic.

Blueprint Genetics
Classification: Likely pathogenic for MFN2-related disorders. Last evaluated: 2020-04-21. Review status: criteria provided, single submitter. Criteria: ACMG Guidelines, 2015. Collection method: clinical testing. Allele origin: germline. Affected: yes. Observed: 1 variant allele.

Literature cited by the submitters: PubMed 26801520 (cited by Labcorp Genetics (formerly Invitae), Labcorp).

NM_014874.4(MFN2):c.1100A>C (p.Gln367Pro)

Gene: MFN2 (mitofusin 2; plus strand). Cytogenetic location: 1p36.22.
Variant type: single nucleotide variant.
Coding change: c.1100A>C on transcript NM_014874.4 (MANE Select); coding-DNA position 1100, A replaced by C.
Protein change: p.Gln367Pro; replaces glutamine 367 with proline.
Molecular consequence: missense variant.
Genome position (GRCh38, 1-based): chr1:12,002,043, A>C. VCF-style: chr1-12002043-A-C. GRCh37 (hg19) VCF-style: chr1-12062100-A-C.
Other names: c.1100A>C, p.Gln367Pro (NM_001127660.2); short protein forms Q367P.
Identifiers: ClinVar variation 2202705 (VCV002202705.5), dbSNP rs1639199557, ClinGen allele CA338442965.